The following is an entry in ClinVar:

ClinVar aggregate classification (germline): Likely pathogenic (1 of 4 stars; one submission).

Conditions:
Joubert syndrome 24 (JBTS24). Identifiers: Orphanet 475, MedGen C4084841, MONDO:0014724, OMIM 616654.

Submission:

Broad Center for Mendelian Genomics, Broad Institute of MIT and Harvard
Classification: Likely pathogenic for Joubert syndrome 24. Last evaluated: 2023-01-25. Review status: criteria provided, single submitter. Criteria: ACMG Guidelines, 2015. Collection method: curation. Allele origin: germline. Inheritance: Autosomal recessive inheritance.
Comment: The p.Leu626PhefsTer16 variant in TCTN2 has not been previously reported in individuals with Joubert syndrome 24. This variant was absent from large population studies. This variant is predicted to cause a frameshift, which alters the protein‚Äôs amino acid sequence beginning at position 626 and leads to a premature termination codon 16 amino acids downstream. This alteration is then predicted to lead to a truncated or absent protein. Loss of function of the TCTN2 gene is strongly associated to autosomal recessive Joubert syndrome 24. In summary, although additional studies are required to fully establish its clinical significance, this variant is likely pathogenic for autosomal recessive Joubert syndrome 24. ACMG/AMP Criteria applied: PVS1_Strong, PM2_Supporting, PM3 (Richards 2015).

NM_024809.5(TCTN2):c.1877dup (p.Leu626fs)

Gene: TCTN2 (tectonic family member 2; plus strand). Cytogenetic location: 12q24.31.
Variant type: Duplication.
Coding change: c.1877dup on transcript NM_024809.5 (MANE Select); coding-DNA position 1877, one base duplicated (T; older notation c.1877dupT).
Protein change: p.Leu626fs; shifts the reading frame from leucine 626.
Molecular consequence: frameshift variant.
Genome position (GRCh38, 1-based): chr12:123,706,833, T duplicated; the last of 2 consecutive T bases (chr12:123,706,832-123,706,833); duplicating either gives the same sequence. VCF-style (leftmost placement, unchanged base first): chr12-123706831-G-GT. GRCh37 (hg19) VCF-style: chr12-124191378-G-GT.
Other names: NM_001143850.3:c.1874dup; c.1874dup, p.Leu625fs (NM_001143850.3); c.1742dup, p.Leu581Phefs (NM_001410989.1); short protein forms L626fs, L625fs.
Identifiers: ClinVar variation 2412723 (VCV002412723.1), dbSNP rs2541810812, ClinGen allele CA658795142.